The following is an entry in ClinVar:

ClinVar aggregate classification (germline): Likely benign. Review status: criteria provided, single submitter (1 of 4 stars). 2 submissions from 2 submitters: Likely benign (1). 1 of the submissions does not count toward it. Last evaluated 2018-06-23.

Conditions:
SEMA3F-related disorder. Also called: SEMA3F-related condition.

Allele frequency attached by ClinVar (database versions not stated): gnomAD 0.00007; ExAC 0.00009; TOPMed 0.00013.
gnomAD v4.1: 69 of 1,613,972 alleles (0.0043%); highest among the groups gnomAD compares: Admixed American, 0.077%; no homozygotes.

Submissions (2):

Labcorp Genetics (formerly Invitae), Labcorp
Classification: Likely benign. Last evaluated: 2018-06-23. Review status: criteria provided, single submitter. Criteria: Invitae Variant Classification Sherloc (09022015). Collection method: clinical testing. Allele origin: germline.

PreventionGenetics, part of Exact Sciences
Classification: Likely benign for SEMA3F-related condition. Last evaluated: 2021-09-02. Review status: no assertion criteria provided. Collection method: clinical testing. Allele origin: germline. Not counted in ClinVar's aggregate classification.
Comment: This variant is classified as likely benign based on ACMG/AMP sequence variant interpretation guidelines (Richards et al. 2015 PMID: 25741868, with internal and published modifications).

NM_004186.5(SEMA3F):c.1152C>T (p.Asn384=)

Gene: SEMA3F (semaphorin 3F; plus strand). Cytogenetic location: 3p21.31.
Variant type: single nucleotide variant.
Coding change: c.1152C>T on transcript NM_004186.5 (MANE Select); coding-DNA position 1152, C replaced by T.
Protein change: p.Asn384=; no amino-acid change (asparagine 384 retained).
Molecular consequence: synonymous variant.
Genome position (GRCh38, 1-based): chr3:50,183,483, C>T. VCF-style: chr3-50183483-C-T. GRCh37 (hg19) VCF-style: chr3-50220916-C-T.
Other names: c.855C>T, p.Asn285= (NM_001318798.2); c.1059C>T, p.Asn353= (NM_001318800.2).
Identifiers: ClinVar variation 738089 (VCV000738089.5), dbSNP rs767470094, ClinGen allele CA2412048.